The following is an entry in ClinVar:

ClinVar aggregate classification (germline): Uncertain significance. Review status: criteria provided, multiple submitters, no conflicts (2 of 4 stars). 5 submissions from 5 submitters: Uncertain significance (5). Last evaluated 2024-07-27.

Conditions:
Immunodeficiency due to CD25 deficiency. Also called: IMMUNODEFICIENCY 41 WITH LYMPHOPROLIFERATION AND AUTOIMMUNITY; CD25 DEFICIENCY; IL2RA DEFICIENCY. Identifiers: Orphanet 169100, MedGen C1853392, MONDO:0011664, OMIM 606367.
Type 1 diabetes mellitus 10 (T1D10). Identifiers: MedGen C1866040, MONDO:0011168, OMIM 601942.

Allele frequency attached by ClinVar (database versions not stated): ExAC 0.00004; gnomAD exomes 0.00005 and 0.00008; ESP Exome Variant Server 0.00008; gnomAD 0.00015; TOPMed 0.00019.
gnomAD v4.1: 100 of 1,613,444 alleles (0.0062%); highest among the groups gnomAD compares: Admixed American, 0.047%; no homozygotes.

Submissions (5):

Women's Health and Genetics/Laboratory Corporation of America, LabCorp
Classification: Uncertain significance. Last evaluated: 2024-07-27. Review status: criteria provided, single submitter. Criteria: LabCorp Variant Classification Summary - May 2015. Collection method: clinical testing. Allele origin: germline.

CeGaT Center for Human Genetics Tuebingen
Classification: Uncertain significance. Last evaluated: 2023-08-01. Review status: criteria provided, single submitter. Criteria: CeGaT Center For Human Genetics Tuebingen Variant Classification Criteria Version 2. Collection method: clinical testing. Allele origin: germline. Affected: yes. Observed: 1 variant allele.
Comment: IL2RA: PM2:Supporting, BP4

Labcorp Genetics (formerly Invitae), Labcorp
Classification: Uncertain significance for Immunodeficiency due to CD25 deficiency. Last evaluated: 2022-06-15. Review status: criteria provided, single submitter. Criteria: Invitae Variant Classification Sherloc (09022015). Collection method: clinical testing. Allele origin: germline.
Comment: This sequence change falls in intron 5 of the IL2RA gene. It does not directly change the encoded amino acid sequence of the IL2RA protein. It affects a nucleotide within the consensus splice site. This variant is present in population databases (rs373973017, gnomAD 0.02%). This variant has not been reported in the literature in individuals affected with IL2RA-related conditions. ClinVar contains an entry for this variant (Variation ID: 878604). Variants that disrupt the consensus splice site are a relatively common cause of aberrant splicing (PMID: 17576681, 9536098). Algorithms developed to predict the effect of sequence changes on RNA splicing suggest that this variant may create or strengthen a splice site. In summary, the available evidence is currently insufficient to determine the role of this variant in disease. Therefore, it has been classified as a Variant of Uncertain Significance.

Fulgent Genetics
Classification: Uncertain significance for Type 1 diabetes mellitus 10; Immunodeficiency due to CD25 deficiency. Last evaluated: 2021-10-26. Review status: criteria provided, single submitter. Criteria: ACMG Guidelines, 2015. Collection method: clinical testing. Allele origin: unknown.

Illumina Laboratory Services, Illumina
Classification: Uncertain significance for Immunodeficiency due to CD25 deficiency. Last evaluated: 2018-01-13. Review status: criteria provided, single submitter. Criteria: ICSL Variant Classification Criteria 13 December 2019. Collection method: clinical testing. Allele origin: germline.

Literature cited by the submitters: PubMed 17576681 (cited by Labcorp Genetics (formerly Invitae), Labcorp); PubMed 9536098 (cited by Labcorp Genetics (formerly Invitae), Labcorp).

NM_000417.3(IL2RA):c.655+4C>T

Gene: IL2RA (interleukin 2 receptor subunit alpha; minus strand). Cytogenetic location: 10p15.1.
Variant type: single nucleotide variant.
Coding change: c.655+4C>T on transcript NM_000417.3 (MANE Select); 4 bases into the intron after coding-DNA position 655, C replaced by T.
Molecular consequence: intron variant.
Genome position (GRCh38, 1-based): chr10:6,019,866, G>A on the plus strand (C>T on the coding strand, the complement: IL2RA is on the minus strand). VCF-style: chr10-6019866-G-A. GRCh37 (hg19) VCF-style: chr10-6061829-G-A.
Other names: c.368-367C>T (NM_001308243.2); c.439+4C>T (NM_001308242.2).
Identifiers: ClinVar variation 878604 (VCV000878604.33), dbSNP rs373973017, ClinGen allele CA5397377.
Genomic context (GRCh38, chr10:6,019,866, plus strand): 5'-CTCCTGGTCACCTCTGCCCTTTTGGACTAGGCCTCTGTGGTCCAGCGTTTGTCTTCTCCC[G>A]CACCTGTTGTTGTGACGAGGCAGGAAGTCTCACTCTCAGGACGGCCTTCGGGGCTTGCCT-3'